The following is an entry in ClinVar:

NM_212482.4(FN1):c.352T>G (p.Ser118Ala)

Genes: FN1 (fibronectin 1; minus strand), LOC126806499 (CDK7 strongly-dependent group 2 enhancer GRCh37_chr2:216298103-216299302; plus strand). Cytogenetic location: 2q35.
Variant type: single nucleotide variant.
Coding change: c.352T>G on transcript NM_212482.4 (MANE Select); coding-DNA position 352, T replaced by G.
Protein change: p.Ser118Ala; replaces serine 118 with alanine.
Molecular consequence: missense variant.
Genome position (GRCh38, 1-based): chr2:215,433,387, A>C on the plus strand (T>G on the coding strand, the complement: FN1 is on the minus strand). VCF-style: chr2-215433387-A-C. GRCh37 (hg19) VCF-style: chr2-216298110-A-C.
Other names: c.352T>G, p.Ser118Ala (NM_001306129.2, NM_001306130.2, NM_001306131.2 and 14 more transcripts); c.352T>G (NM_212482.2, NM_212482.1); short protein forms S118A.
Identifiers: ClinVar variation 1375582 (VCV001375582.10), dbSNP rs757231578, ClinGen allele CA2095598.

ClinVar aggregate classification (germline): Conflicting classifications of pathogenicity. Review status: criteria provided, conflicting classifications (1 of 4 stars). 4 submissions from 4 submitters: Uncertain significance (2); Likely benign (1). 1 of the submissions does not count toward it. Last evaluated 2025-10-24.

Conditions:
Inborn genetic diseases. Identifiers: MedGen C0950123, MeSH D030342.
FN1-related disorder. Also called: FN1-related condition.

Allele frequency attached by ClinVar (database versions not stated): ExAC 0.00002; gnomAD exomes 0.00003.
gnomAD v4.1: 19 of 1,614,042 alleles (0.0012%); highest among the groups gnomAD compares: Admixed American, 0.012%; 1 homozygote.

Submissions (4):

Labcorp Genetics (formerly Invitae), Labcorp
Classification: Uncertain significance. Last evaluated: 2025-10-24. Review status: criteria provided, single submitter. Criteria: Invitae Variant Classification Sherloc (09022015). Collection method: clinical testing. Allele origin: germline.
Comment: This sequence change replaces serine, which is neutral and polar, with alanine, which is neutral and non-polar, at codon 118 of the FN1 protein (p.Ser118Ala). This variant is present in population databases (rs757231578, gnomAD 0.01%). This variant has not been reported in the literature in individuals affected with FN1-related conditions. ClinVar contains an entry for this variant (Variation ID: 1375582). An algorithm developed to predict the effect of missense changes on protein structure and function (PolyPhen-2) suggests that this variant is likely to be disruptive. In summary, the available evidence is currently insufficient to determine the role of this variant in disease. Therefore, it has been classified as a Variant of Uncertain Significance.

Ambry Genetics
Classification: Likely benign for Inborn genetic diseases. Last evaluated: 2024-12-24. Review status: criteria provided, single submitter. Criteria: Ambry Variant Classification Scheme 2023. Collection method: clinical testing. Allele origin: germline.

GeneDx
Classification: Uncertain significance. Last evaluated: 2023-06-02. Review status: criteria provided, single submitter. Criteria: GeneDx Variant Classification Process June 2021. Collection method: clinical testing. Allele origin: germline. Affected: yes.
Comment: In silico analysis supports that this missense variant does not alter protein structure/function; Has not been previously published as pathogenic or benign to our knowledge

PreventionGenetics, part of Exact Sciences
Classification: Uncertain significance for FN1-related condition. Last evaluated: 2023-12-22. Review status: no assertion criteria provided. Collection method: clinical testing. Allele origin: germline. Not counted in ClinVar's aggregate classification.
Comment: The FN1 c.352T>G variant is predicted to result in the amino acid substitution p.Ser118Ala. To our knowledge, this variant has not been reported in the literature. This variant is reported in 0.017% of alleles in individuals of Latino descent in gnomAD. At this time, the clinical significance of this variant is uncertain due to the absence of conclusive functional and genetic evidence.